The following is an entry in ClinVar:

NM_025009.5(CEP135):c.714A>T (p.Glu238Asp)

Gene: CEP135 (centrosomal protein 135; plus strand). Cytogenetic location: 4q12.
Variant type: single nucleotide variant.
Coding change: c.714A>T on transcript NM_025009.5 (MANE Select); coding-DNA position 714, A replaced by T.
Protein change: p.Glu238Asp; replaces glutamic acid 238 with aspartic acid.
Molecular consequence: missense variant.
Genome position (GRCh38, 1-based): chr4:55,964,288, A>T. VCF-style: chr4-55964288-A-T. GRCh37 (hg19) VCF-style: chr4-56830454-A-T.
Other names: short protein forms E238D.
Identifiers: ClinVar variation 2063226 (VCV002063226.4), dbSNP rs1466889004, ClinGen allele CA356975528.
Genomic context (GRCh38, chr4:55,964,288, plus strand): 5'-GTTGAAAACCAGATTTTTTAAAATGACAGCATGACTATATCTTCAGATTGAGCTAAGAGA[A>T]CGAGAGATAGAACGACTGTCAGTTGCTTTGGATGGTGGTCGGTCCCCTGATGTCCTTTCT-3'
Protein context (NP_079285.2, residues 228-248): RDYSKQIELR[Glu238Asp]REIERLSVAL

ClinVar aggregate classification (germline): Uncertain significance (1 of 4 stars; one submission).

Allele frequency attached by ClinVar (database versions not stated): TOPMed below 0.00001.

Submission:

Labcorp Genetics (formerly Invitae), Labcorp
Classification: Uncertain significance. Last evaluated: 2022-07-12. Review status: criteria provided, single submitter. Criteria: Invitae Variant Classification Sherloc (09022015). Collection method: clinical testing. Allele origin: germline.
Comment: This sequence change replaces glutamic acid, which is acidic and polar, with aspartic acid, which is acidic and polar, at codon 238 of the CEP135 protein (p.Glu238Asp). This variant is present in population databases (no rsID available, gnomAD 0.007%). This variant has not been reported in the literature in individuals affected with CEP135-related conditions. Algorithms developed to predict the effect of missense changes on protein structure and function output the following: SIFT: "Tolerated"; PolyPhen-2: "Benign"; Align-GVGD: "Class C0". The aspartic acid amino acid residue is found in multiple mammalian species, which suggests that this missense change does not adversely affect protein function. In summary, the available evidence is currently insufficient to determine the role of this variant in disease. Therefore, it has been classified as a Variant of Uncertain Significance.